The following is an entry in ClinVar:

ClinVar aggregate classification (germline): Benign. Review status: criteria provided, multiple submitters, no conflicts (2 of 4 stars). 6 submissions from 6 submitters: Benign (6). Last evaluated 2026-02-03.

Conditions:
Adams-Oliver syndrome 1 (AOS1). Also called: ABSENCE DEFECT OF LIMBS, SCALP, AND SKULL; APLASIA CUTIS CONGENITA WITH TERMINAL TRANSVERSE LIMB DEFECTS; CONGENITAL SCALP DEFECTS WITH DISTAL LIMB REDUCTION ANOMALIES. Identifiers: Orphanet 974, MedGen C4551482, MONDO:0024506, OMIM 100300.

Allele frequency attached by ClinVar (database versions not stated): gnomAD exomes 0.62305; 1000 Genomes Project 0.63379; 1000 Genomes Project 30x 0.63726; ExAC 0.64238; ESP Exome Variant Server 0.64365; TOPMed 0.64783; gnomAD 0.65282 and 0.65459.

Submissions (6):

Labcorp Genetics (formerly Invitae), Labcorp
Classification: Benign. Last evaluated: 2026-02-03. Review status: criteria provided, single submitter. Criteria: Invitae Variant Classification Sherloc (09022015). Collection method: clinical testing. Allele origin: germline.

Blueprint Genetics
Classification: Benign. Last evaluated: 2024-11-26. Review status: criteria provided, single submitter. Criteria: ACMG Guidelines, 2015. Collection method: clinical testing. Allele origin: germline.

Genome-Nilou Lab
Classification: Benign for Adams-Oliver syndrome 1. Last evaluated: 2021-07-14. Review status: criteria provided, single submitter. Criteria: ACMG Guidelines, 2015. Collection method: clinical testing. Allele origin: germline. Affected: no.

GeneDx
Classification: Benign. Last evaluated: 2018-10-16. Review status: criteria provided, single submitter. Criteria: GeneDx Variant Classification Process June 2021. Collection method: clinical testing. Allele origin: germline. Affected: yes.

Laboratory for Molecular Medicine, Mass General Brigham Personalized Medicine
Classification: Benign. Last evaluated: 2016-03-29. Review status: criteria provided, single submitter. Criteria: LMM Criteria. Collection method: clinical testing. Allele origin: germline.
Comment: Variant identified in a genome or exome case(s) and assessed due to predicted null impact of the variant or pathogenic assertions in the literature or databases. Disclaimer: This variant has not undergone full assessment. The following are preliminary notes: 64% of total chromosomes in ExAC

Breakthrough Genomics
Classification: Benign. Review status: criteria provided, single submitter. Criteria: ACMG Guidelines, 2015. Collection method: not provided. Allele origin: germline. Inheritance: Autosomal dominant inheritance. Affected: yes.

NM_020754.4(ARHGAP31):c.1926+5A>G

Gene: ARHGAP31 (Rho GTPase activating protein 31; plus strand). Cytogenetic location: 3q13.33.
Variant type: single nucleotide variant.
Coding change: c.1926+5A>G on transcript NM_020754.4 (MANE Select); 5 bases into the intron after coding-DNA position 1926, A replaced by G.
Molecular consequence: intron variant.
Genome position (GRCh38, 1-based): chr3:119,409,781, A>G. VCF-style: chr3-119409781-A-G. GRCh37 (hg19) VCF-style: chr3-119128628-A-G.
Identifiers: ClinVar variation 342651 (VCV000342651.21), dbSNP rs1463139, ClinGen allele CA2553928.
Genomic context (GRCh38, chr3:119,409,781, plus strand): 5'-GCACCCTGCAGGAGAGCCCCAGGGCCAGAGCCGAAGCTGTGCTTCTCCATGAGATGGTAA[A>G]GTGCATTCTCCACCTGCTCCAGCCAGGTGGAGTTATTTTTTCCCAAGGGCTCTTGGTACA-3'